The following is an entry in ClinVar:

ClinVar aggregate classification (germline): Uncertain significance. Review status: criteria provided, multiple submitters, no conflicts (2 of 4 stars). 3 submissions from 3 submitters: Uncertain significance (3). Last evaluated 2025-10-01.

Submissions (3):

GeneDx
Classification: Uncertain significance. Last evaluated: 2025-10-01. Review status: criteria provided, single submitter. Criteria: GeneDx Variant Classification Process June 2021. Collection method: clinical testing. Allele origin: germline. Affected: yes.
Comment: In-frame insertion of 2 amino acids in a repetitive region with no known function; Has not been previously published as pathogenic or benign to our knowledge

Blueprint Genetics
Classification: Uncertain significance. Last evaluated: 2024-11-05. Review status: criteria provided, single submitter. Criteria: ACMG Guidelines, 2015. Collection method: clinical testing. Allele origin: germline.

Labcorp Genetics (formerly Invitae), Labcorp
Classification: Uncertain significance. Last evaluated: 2022-06-13. Review status: criteria provided, single submitter. Criteria: Invitae Variant Classification Sherloc (09022015). Collection method: clinical testing. Allele origin: germline.
Comment: This variant, c.3925_3930dup, results in the insertion of 2 amino acid(s) of the OTOF protein (p.Lys1309_Lys1310dup), but otherwise preserves the integrity of the reading frame. This variant is present in population databases (rs768338261, gnomAD 0.08%). This variant has not been reported in the literature in individuals affected with OTOF-related conditions. Experimental studies and prediction algorithms are not available or were not evaluated, and the functional significance of this variant is currently unknown. In summary, the available evidence is currently insufficient to determine the role of this variant in disease. Therefore, it has been classified as a Variant of Uncertain Significance.

NM_194248.3(OTOF):c.3913AAG[8] (p.Lys1309_Lys1310dup)

Gene: OTOF (otoferlin; minus strand). Cytogenetic location: 2p23.3.
Variant type: Microsatellite.
Coding change: c.3913AAG[8] on transcript NM_194248.3 (MANE Select); eight copies in a row of the 3-base unit AAG starting at c.3913; the reference has six copies in a row; two copies, 6 bases duplicated.
Protein change: p.Lys1309_Lys1310dup.
Molecular consequence: inframe insertion.
Genome position (GRCh38, 1-based): chr2:26,470,686-26,470,691, CTTCTT duplicated on the plus strand (AAGAAG on the coding strand, the reverse complement: OTOF is on the minus strand); duplicating any 6 consecutive bases within chr2:26,470,686-26,470,705 gives the same sequence; the position shown is the placement nearest the transcript's 3' end. VCF-style (leftmost placement, unchanged base first): chr2-26470685-C-CCTTCTT. GRCh37 (hg19) VCF-style: chr2-26693553-C-CCTTCTT.
Other names: c.3913AAG[8], p.Lys1309_Lys1310dup (NM_001287489.2); c.1612AAG[8], p.Lys542_Lys543dup (NM_004802.4, NM_194323.3); c.1843AAG[8], p.Lys619_Lys620dup (NM_194322.3); c.3925_3930dup (NM_001287489.2).
Identifiers: ClinVar variation 1210985 (VCV001210985.13), dbSNP rs368148603, ClinGen allele CA1563353.